The following is an entry in ClinVar:

NM_031157.4(HNRNPA1):c.145C>A (p.Pro49Thr)

Genes: HNRNPA1 (heterogeneous nuclear ribonucleoprotein A1; plus strand), LOC117038776 (CRISPRi-FlowFISH-validated NFE2 regulatory element 2; plus strand). Cytogenetic location: 12q13.13.
Variant type: single nucleotide variant.
Coding change: c.145C>A on transcript NM_031157.4 (MANE Select); coding-DNA position 145, C replaced by A.
Protein change: p.Pro49Thr; replaces proline 49 with threonine.
Molecular consequence: missense variant. On other transcripts: non-coding transcript variant (1).
Genome position (GRCh38, 1-based): chr12:54,281,807, C>A. VCF-style: chr12-54281807-C-A. GRCh37 (hg19) VCF-style: chr12-54675591-C-A.
Other names: c.145C>A, p.Pro49Thr (NM_002136.4); short protein forms P49T.
Identifiers: ClinVar variation 3361897 (VCV003361897.2).

ClinVar aggregate classification (germline): Uncertain significance (1 of 4 stars; one submission).

Submission:

GeneDx
Classification: Uncertain significance. Last evaluated: 2025-12-30. Review status: criteria provided, single submitter. Criteria: GeneDx Variant Classification Process June 2021. Collection method: clinical testing. Allele origin: germline.
Comment: Not observed at significant frequency in large population cohorts (gnomAD); In silico analysis supports that this missense variant has a deleterious effect on protein structure/function; Has not been previously published as pathogenic or benign to our knowledge